The following is an entry in ClinVar:

NM_000138.5(FBN1):c.660del (p.Cys221fs)

Gene: FBN1 (fibrillin 1; minus strand). Cytogenetic location: 15q21.1.
Variant type: Deletion.
Coding change: c.660del on transcript NM_000138.5 (MANE Select); coding-DNA position 660, one base deleted (C; older notation c.660delC).
Protein change: p.Cys221fs; shifts the reading frame from cysteine 221.
Molecular consequence: frameshift variant.
Genome position (GRCh38, 1-based): chr15:48,537,687, G deleted on the plus strand (C on the coding strand, the reverse complement: FBN1 is on the minus strand); the first of 4 consecutive G bases (chr15:48,537,687-48,537,690); deleting any one gives the same sequence. VCF-style (leftmost placement, unchanged base first): chr15-48537686-AG-A. GRCh37 (hg19) VCF-style: chr15-48829883-AG-A.
Other names: c.660delC (NM_000138.4); short protein forms C221fs.
Identifiers: ClinVar variation 179992 (VCV000179992.4), dbSNP rs727505269, ClinGen allele CA016564.

ClinVar aggregate classification (germline): Pathogenic (1 of 4 stars; one submission).

Conditions:
Marfan syndrome (MFS). Also called: Marfan syndrome, classic; FBN1-Related Marfan Syndrome; Marfan syndrome type 1; Marfan's syndrome; MARFAN SYNDROME, TYPE I. Identifiers: Orphanet 284963, Orphanet 558, MedGen C0024796, MONDO:0007947, OMIM 154700.

Submission:

Laboratory for Molecular Medicine, Mass General Brigham Personalized Medicine
Classification: Pathogenic for Marfan syndrome. Last evaluated: 2014-09-30. Review status: criteria provided, single submitter. Criteria: LMM Criteria. Collection method: clinical testing. Allele origin: germline. Inheritance: Autosomal dominant inheritance. Observed: 1 variant allele.
Comment: The p.Cys221fs variant in FBN1 has not been reported in individuals with clinica l features of Marfan syndrome or in large population studies. This variant is pr edicted to cause a frameshift, which alters the protein?s amino acid sequence be ginning at position 221 and leads to a premature termination codon 109 amino aci ds downstream. This alteration is then predicted to lead to a truncated or absen t protein. Heterozygous loss of function of function of the FBN1 gene is an esta blished disease mechanism in Marfan syndrome. In summary, this variant meets our criteria to be classified as pathogenic for Marfan syndrome in an autosomal dom inant manner.